The following is an entry in ClinVar:

NM_002617.4(PEX10):c.627G>A (p.Glu209=)

Gene: PEX10 (peroxisomal biogenesis factor 10; minus strand). Cytogenetic location: 1p36.32.
Variant type: single nucleotide variant.
Coding change: c.627G>A on transcript NM_002617.4 (MANE Select); coding-DNA position 627, G replaced by A.
Protein change: p.Glu209=; no amino-acid change (glutamic acid 209 retained).
Molecular consequence: synonymous variant. On other transcripts: non-coding transcript variant (1).
Genome position (GRCh38, 1-based): chr1:2,406,869, C>T on the plus strand (G>A on the coding strand, the complement: PEX10 is on the minus strand). VCF-style: chr1-2406869-C-T. GRCh37 (hg19) VCF-style: chr1-2338308-C-T.
Other names: p.Glu229=; c.684G>A, p.Glu228= (NM_001374425.1); c.252G>A, p.Glu84= (NM_001374426.1); c.195G>A, p.Glu65= (NM_001374427.1); c.687G>A, p.Glu229= (NM_153818.2).
Identifiers: ClinVar variation 498837 (VCV000498837.44), dbSNP rs141430704, ClinGen allele CA538084.

ClinVar aggregate classification (germline): Conflicting classifications of pathogenicity. Review status: criteria provided, conflicting classifications (1 of 4 stars). 6 submissions from 6 submitters: Uncertain significance (1); Benign (2); Likely benign (3). Last evaluated 2026-07-01.

Conditions:
Peroxisome biogenesis disorder, complementation group 7 (CG7). Also called: Peroxisome biogenesis disorder, complementation group B. Identifiers: MedGen C1864399.
Peroxisome biogenesis disorder 6A (Zellweger). Also called: Peroxisome biogenesis disorder 6A. Identifiers: Orphanet 912, MedGen C3553947, MONDO:0013936, OMIM 614870.

Allele frequency attached by ClinVar (database versions not stated): gnomAD 0.00043 and 0.00052; ESP Exome Variant Server 0.00046; TOPMed 0.00051; gnomAD exomes 0.00057; 1000 Genomes Project 30x 0.00062; 1000 Genomes Project 0.00080.
gnomAD v4.1: 949 of 1,609,430 alleles (0.059%); highest among the groups gnomAD compares: Middle Eastern, 0.36%; 6 homozygotes.

Submissions (6):

CeGaT Center for Human Genetics Tuebingen
Classification: Likely benign. Last evaluated: 2026-07-01. Review status: criteria provided, single submitter. Criteria: CeGaT Center For Human Genetics Tuebingen Variant Classification Criteria Version 2. Collection method: clinical testing. Allele origin: germline. Affected: yes. Observed: 5 variant alleles.
Comment: PEX10: BP4, BP7

Labcorp Genetics (formerly Invitae), Labcorp
Classification: Benign for Peroxisome biogenesis disorder, complementation group 7. Last evaluated: 2026-01-26. Review status: criteria provided, single submitter. Criteria: Invitae Variant Classification Sherloc (09022015). Collection method: clinical testing. Allele origin: germline.

Mayo Clinic Laboratories, Mayo Clinic
Classification: Benign. Last evaluated: 2025-06-10. Review status: criteria provided, single submitter. Criteria: ACMG Guidelines, 2015. Collection method: clinical testing. Allele origin: germline. Observed: 2 variant alleles.
Comment: BS1, BS2, BP4, BP7

Blueprint Genetics
Classification: Likely benign. Last evaluated: 2024-11-05. Review status: criteria provided, single submitter. Criteria: ACMG Guidelines, 2015. Collection method: clinical testing. Allele origin: germline.

Illumina Laboratory Services, Illumina
Classification: Uncertain significance for Peroxisome biogenesis disorder 6A (Zellweger). Last evaluated: 2017-04-27. Review status: criteria provided, single submitter. Criteria: ICSL Variant Classification Criteria 13 December 2019. Collection method: clinical testing. Allele origin: germline.

Eurofins Ntd Llc (ga)
Classification: Likely benign. Last evaluated: 2016-11-28. Review status: criteria provided, single submitter. Criteria: EGL Classification Definitions 2015. Collection method: clinical testing. Allele origin: germline. Observed: 1 variant allele, 1 heterozygote.